The following is an entry in ClinVar:

NM_001267550.2(TTN):c.94507G>A (p.Ala31503Thr)

Genes: TTN (titin; minus strand), TTN-AS1 (TTN antisense RNA 1; plus strand). Cytogenetic location: 2q31.2.
Variant type: single nucleotide variant.
Coding change: c.94507G>A on transcript NM_001267550.2 (MANE Select); coding-DNA position 94507, G replaced by A.
Protein change: p.Ala31503Thr; replaces alanine 31503 with threonine.
Molecular consequence: missense variant.
Genome position (GRCh38, 1-based): chr2:178,547,018, C>T on the plus strand (G>A on the coding strand, the complement: TTN is on the minus strand). VCF-style: chr2-178547018-C-T. GRCh37 (hg19) VCF-style: chr2-179411745-C-T.
Other names: c.89584G>A, p.Ala29862Thr (NM_001256850.1); c.67312G>A, p.Ala22438Thr (NM_003319.4); c.86803G>A, p.Ala28935Thr (NM_133378.4); c.67687G>A, p.Ala22563Thr (NM_133432.3); c.67888G>A, p.Ala22630Thr (NM_133437.4); short protein forms A31503T, A22438T, A22563T, A28935T, A22630T, A29862T.
Identifiers: ClinVar variation 467664 (VCV000467664.23), dbSNP rs375657115, ClinGen allele CA1987126.

ClinVar aggregate classification (germline): Conflicting classifications of pathogenicity. Review status: criteria provided, conflicting classifications (1 of 4 stars). 10 submissions from 10 submitters: Uncertain significance (8); Likely benign (2). Last evaluated 2026-06-05.

Conditions:
Cardiovascular phenotype. Identifiers: MedGen CN230736.
Autosomal recessive limb-girdle muscular dystrophy type 2J (LGMDR10). Also called: Limb-girdle muscular dystrophy, type 2J; MUSCULAR DYSTROPHY, LIMB-GIRDLE, AUTOSOMAL RECESSIVE 10. Identifiers: Orphanet 140922, MedGen C1837342, MONDO:0012127, OMIM 608807.
Dilated cardiomyopathy 1G (CMD1G). Identifiers: Orphanet 154, MedGen C1858763, MONDO:0011400, OMIM 604145.
TTN-related disorder. Also called: TTN-related condition; TTN-related disease; TTN-related disorders.
Hypertrophic cardiomyopathy 9. Also called: Familial hypertrophic cardiomyopathy 9. Identifiers: MedGen C1861065, MONDO:0013412, OMIM 613765.
Cardiomyopathy (CMYO). Also called: Cardiomyopathies. Identifiers: Orphanet 167848, MedGen C0878544, MONDO:0004994, HP:0001638. Inheritance: Various modes of inheritance.

Allele frequency attached by ClinVar (database versions not stated): gnomAD 0.00003 and 0.00004; gnomAD exomes 0.00005; TOPMed 0.00006; ESP Exome Variant Server 0.00008; ExAC 0.00010; 1000 Genomes Project 30x 0.00016; 1000 Genomes Project 0.00020.
gnomAD v4.1: 85 of 1,608,422 alleles (0.0053%); highest among the groups gnomAD compares: Admixed American, 0.017%; no homozygotes.

Submissions (10):

PreventionGenetics, part of Exact Sciences
Classification: Uncertain significance for TTN-related condition. Last evaluated: 2026-06-05. Review status: criteria provided, single submitter. Criteria: ACMG Guidelines, 2015. Collection method: clinical testing. Allele origin: germline.
Comment: The TTN c.94507G>A variant is predicted to result in the amino acid substitution p.Ala31503Thr. This variant was documented in the heterozygous state in an individual with limb-girdle muscular weakness and hyperckemia (Table S1 in Cerino et al. 2022. PubMed ID: 35741838). This variant is reported in 0.011% of alleles in individuals of Latino descent in gnomAD. At this time, the clinical significance of this variant is uncertain due to the absence of conclusive functional and genetic evidence.

Molecular Diagnostic Laboratory for Inherited Cardiovascular Disease, Montreal Heart Institute
Classification: Likely benign. Last evaluated: 2025-04-09. Review status: criteria provided, single submitter. Criteria: ACMG Guidelines, 2015. Collection method: clinical testing. Allele origin: germline. Affected: no.

Revvity Omics, Revvity
Classification: Uncertain significance. Last evaluated: 2022-06-02. Review status: criteria provided, single submitter. Criteria: ACMG Guidelines, 2015. Collection method: clinical testing. Allele origin: germline.

New York Genome Center
Classification: Uncertain significance for Hypertrophic cardiomyopathy 9; Dilated cardiomyopathy 1G. Last evaluated: 2022-01-25. Review status: criteria provided, single submitter. Criteria: NYGC Assertion Criteria 2020. Collection method: clinical testing. Allele origin: germline. Observed: 1 heterozygote.
Comment: The c.94507G>A (p.Ala31503Thr) missense variant in the TTN gene has not been reported in affected individuals in the literature. The variant has 0.00005042 allele frequency in the gnomAD (v2.1.1 and v3.1.2) database (14 out of 277666 heterozygous alleles, no homozygotes)suggesting it is not a common benign variant in the populations represented in that database. This variant is reported as a variant of uncertain significance and likely benign in the ClinVar database (Variation ID: 467664). The variant affects a highly conserved residue (Ala31503) located in the A-band domain of TTN protein (PMID:25589632) and multiple in silico tools provide conflicting predictions about the potential pathogenicity of this variant (CADD score = 35, REVEL score = 0.336). Based on the available evidence, the heterozygous c.94507G>A (p.Ala31503Thr) missense variant identified in the TTN gene is reported as a Variant of Uncertain Significance.

Laboratorio de Genetica e Diagnostico Molecular, Hospital Israelita Albert Einstein
Classification: Uncertain significance. Last evaluated: 2021-10-06. Review status: criteria provided, single submitter. Criteria: ACMG Guidelines, 2015. Collection method: clinical testing. Allele origin: germline. Affected: yes.
Comment: ACMG classification criteria: BP4

CHEO Genetics Diagnostic Laboratory, Children's Hospital of Eastern Ontario
Classification: Uncertain significance for Cardiomyopathy. Last evaluated: 2020-12-07. Review status: criteria provided, single submitter. Criteria: ACMG Guidelines, 2015. Collection method: clinical testing. Allele origin: germline.

Athena Diagnostics
Classification: Uncertain significance. Last evaluated: 2019-06-04. Review status: criteria provided, single submitter. Criteria: Athena Diagnostics Criteria. Collection method: clinical testing. Allele origin: germline.

GeneDx
Classification: Likely benign. Last evaluated: 2018-12-20. Review status: criteria provided, single submitter. Criteria: GeneDx Variant Classification Process June 2021. Collection method: clinical testing. Allele origin: germline. Affected: yes.

Labcorp Genetics (formerly Invitae), Labcorp
Classification: Uncertain significance for Dilated cardiomyopathy 1G; Autosomal recessive limb-girdle muscular dystrophy type 2J. Last evaluated: 2017-11-22. Review status: criteria provided, single submitter. Criteria: Invitae Variant Classification Sherloc (09022015). Collection method: clinical testing. Allele origin: germline.

Ambry Genetics
Classification: Uncertain significance for Cardiovascular phenotype. Last evaluated: 2016-06-10. Review status: criteria provided, single submitter. Criteria: Ambry Variant Classification Scheme 2023. Collection method: clinical testing. Allele origin: germline.
Comment: The p.A22438T variant (also known as c.67312G>A), located in coding exon 167 of the TTN gene, results from a G to A substitution at nucleotide position 67312. The alanine at codon 22438 is replaced by threonine, an amino acid with similar properties, and is located in the A-band region of the N2-B isoform of the titin protein. This variant was previously reported in the SNPDatabase as rs375657115. Based on data from ExAC, the A allele has an overall frequency of < 0.01% (9/103545). The highest observed frequency was 0.02%% (3/11198) of Latino alleles. Based on data from the NHLBI Exome Sequencing Project (ESP), the A allele has an overall frequency of approximately 0.01% (1/12030) total alleles studied and 0.01% (1/8236) European American alleles. This amino acid position is highly conserved in available vertebrate species. In addition, this alteration is predicted to be probably damaging and tolerated by PolyPhen and SIFT in silico analyses, respectively. Since supporting evidence is limited at this time, the clinical significance of this variant remains unclear.